The following is an entry in ClinVar:

ClinVar aggregate classification (germline): Uncertain significance. Review status: criteria provided, multiple submitters, no conflicts (2 of 4 stars). 3 submissions from 3 submitters: Uncertain significance (3). Last evaluated 2025-09-01.

Conditions:
Hereditary cancer-predisposing syndrome. Also called: Tumor predisposition; Hereditary neoplastic syndrome; Neoplastic Syndromes, Hereditary; Hereditary Cancer Syndrome. Identifiers: Orphanet 140162, MedGen C0027672, MeSH D009386, MONDO:0015356.
Hereditary nonpolyposis colorectal neoplasms. Identifiers: MedGen C0009405, MeSH D003123.

gnomAD v4.1: 1 of 1,613,928 alleles (0.000062%); highest among the groups gnomAD compares: Non-Finnish European, 0.000085%; no homozygotes.

Submissions (3):

Ambry Genetics
Classification: Uncertain significance for Hereditary cancer-predisposing syndrome. Last evaluated: 2025-09-01. Review status: criteria provided, single submitter. Criteria: Ambry Variant Classification Scheme 2023. Collection method: clinical testing. Allele origin: germline.
Comment: The p.Q530K variant (also known as c.1588C>A), located in coding exon 11 of the PMS2 gene, results from a C to A substitution at nucleotide position 1588. The glutamine at codon 530 is replaced by lysine, an amino acid with similar properties. This amino acid position is not well conserved in available vertebrate species. In addition, this alteration is predicted to be tolerated by in silico analysis. Since supporting evidence is limited at this time, the clinical significance of this alteration remains unclear.

Center for Genomic Medicine, Rigshospitalet, Copenhagen University Hospital
Classification: Uncertain significance. Last evaluated: 2025-03-04. Review status: criteria provided, single submitter. Criteria: ACMG Guidelines, 2015. Collection method: clinical testing. Allele origin: germline.

Labcorp Genetics (formerly Invitae), Labcorp
Classification: Uncertain significance for Hereditary nonpolyposis colorectal neoplasms. Last evaluated: 2024-05-04. Review status: criteria provided, single submitter. Criteria: Invitae Variant Classification Sherloc (09022015). Collection method: clinical testing. Allele origin: germline.
Comment: This sequence change replaces glutamine, which is neutral and polar, with lysine, which is basic and polar, at codon 530 of the PMS2 protein (p.Gln530Lys). This variant is not present in population databases (gnomAD no frequency). This variant has not been reported in the literature in individuals affected with PMS2-related conditions. ClinVar contains an entry for this variant (Variation ID: 847635). Advanced modeling of protein sequence and biophysical properties (such as structural, functional, and spatial information, amino acid conservation, physicochemical variation, residue mobility, and thermodynamic stability) performed at Invitae indicates that this missense variant is not expected to disrupt PMS2 protein function with a negative predictive value of 80%. In summary, the available evidence is currently insufficient to determine the role of this variant in disease. Therefore, it has been classified as a Variant of Uncertain Significance.

NM_000535.7(PMS2):c.1588C>A (p.Gln530Lys)

Gene: PMS2 (PMS1 homolog 2, mismatch repair system component; minus strand). Cytogenetic location: 7p22.1.
Variant type: single nucleotide variant.
Coding change: c.1588C>A on transcript NM_000535.7 (MANE Select); coding-DNA position 1588, C replaced by A.
Protein change: p.Gln530Lys; replaces glutamine 530 with lysine.
Molecular consequence: missense variant. On other transcripts: non-coding transcript variant (1).
Genome position (GRCh38, 1-based): chr7:5,987,177, G>T on the plus strand (C>A on the coding strand, the complement: PMS2 is on the minus strand). VCF-style: chr7-5987177-G-T. GRCh37 (hg19) VCF-style: chr7-6026808-G-T.
Other names: c.1183C>A, p.Gln395Lys (NM_001322003.2, NM_001322004.2, NM_001322005.2 and 1 more transcripts); c.1432C>A, p.Gln478Lys (NM_001322006.2); c.1270C>A, p.Gln424Lys (NM_001322007.2, NM_001322008.2); c.1027C>A, p.Gln343Lys (NM_001322010.2); c.655C>A, p.Gln219Lys (NM_001322011.2, NM_001322012.2); c.1015C>A, p.Gln339Lys (NM_001322013.2); c.1588C>A, p.Gln530Lys (NM_001322014.2); c.1279C>A, p.Gln427Lys (NM_001322015.2); short protein forms Q219K, Q478K, Q530K, Q339K, Q395K, Q343K, Q427K, Q424K.
Identifiers: ClinVar variation 847635 (VCV000847635.14), dbSNP rs751261543, ClinGen allele CA366741538.